The following is an entry in ClinVar:

ClinVar aggregate classification (germline): Uncertain significance (1 of 4 stars; one submission).

Conditions:
Immunodeficiency 35 (IMD35). Also called: Susceptibility to infection due to TYK2 deficiency; HIES WITH ATYPICAL MYCOBACTERIOSIS, AUTOSOMAL RECESSIVE; HYPER-IgE SYNDROME WITH ATYPICAL MYCOBACTERIOSIS, AUTOSOMAL RECESSIVE; TYK2 DEFICIENCY. Identifiers: Orphanet 331226, MedGen C1969086, MONDO:0012682, OMIM 611521.

gnomAD v4.1: 28 of 1,612,266 alleles (0.0017%); highest among the groups gnomAD compares: Admixed American, 0.005%; no homozygotes.

Submission:

Labcorp Genetics (formerly Invitae), Labcorp
Classification: Uncertain significance for Immunodeficiency 35. Last evaluated: 2022-07-06. Review status: criteria provided, single submitter. Criteria: Invitae Variant Classification Sherloc (09022015). Collection method: clinical testing. Allele origin: germline.
Comment: ClinVar contains an entry for this variant (Variation ID: 565570). Algorithms developed to predict the effect of missense changes on protein structure and function output the following: SIFT: "Not Available"; PolyPhen-2: "Benign"; Align-GVGD: "Not Available". The glutamine amino acid residue is found in multiple mammalian species, which suggests that this missense change does not adversely affect protein function. This variant disrupts the p.Arg231 amino acid residue in TYK2. Other variant(s) that disrupt this residue have been determined to be pathogenic (PMID: 29725107, 31118190). This suggests that this residue is clinically significant, and that variants that disrupt this residue are likely to be disease-causing. In summary, the available evidence is currently insufficient to determine the role of this variant in disease. Therefore, it has been classified as a Variant of Uncertain Significance. This variant has not been reported in the literature in individuals affected with TYK2-related conditions. This sequence change replaces arginine, which is basic and polar, with glutamine, which is neutral and polar, at codon 231 of the TYK2 protein (p.Arg231Gln). This variant is present in population databases (rs761141309, gnomAD 0.009%).

Literature cited by the submitters: PubMed 29725107; PubMed 31118190.

NM_003331.5(TYK2):c.692G>A (p.Arg231Gln)

Gene: TYK2 (tyrosine kinase 2; minus strand). Cytogenetic location: 19p13.2.
Variant type: single nucleotide variant.
Coding change: c.692G>A on transcript NM_003331.5 (MANE Select); coding-DNA position 692, G replaced by A.
Protein change: p.Arg231Gln; replaces arginine 231 with glutamine.
Molecular consequence: missense variant.
Genome position (GRCh38, 1-based): chr19:10,365,836, C>T on the plus strand (G>A on the coding strand, the complement: TYK2 is on the minus strand). VCF-style: chr19-10365836-C-T. GRCh37 (hg19) VCF-style: chr19-10476512-C-T.
Other names: c.692G>A (LRG_121t1); short protein forms R231Q.
Identifiers: ClinVar variation 565570 (VCV000565570.7), dbSNP rs761141309, ClinGen allele CA9193640.
Genomic context (GRCh38, chr19:10,365,836, plus strand): 5'-GAGAGTCGGCCCGGCTGGAAGTCCCGCAGGAACCTGCGGAAGACGTTCCGAAGGCGCAGC[C>T]GGGTCAGGGCGCTGTGCTGCCGGATATGCCGGCGGAAGGAGCGCGGGATGCAGTCCTTGA-3'
Protein context (NP_003322.3, residues 221-241): RHIRQHSALT[Arg231Gln]LRLRNVFRRF